The following is an entry in ClinVar:

ClinVar aggregate classification (germline): Uncertain significance (1 of 4 stars; one submission).

Conditions:
Hereditary cancer-predisposing syndrome. Also called: Tumor predisposition; Hereditary Cancer Syndrome; Hereditary neoplastic syndrome; Neoplastic Syndromes, Hereditary. Identifiers: Orphanet 140162, MedGen C0027672, MeSH D009386, MONDO:0015356.

Submission:

Ambry Genetics
Classification: Uncertain significance for Hereditary cancer-predisposing syndrome. Last evaluated: 2024-04-16. Review status: criteria provided, single submitter. Criteria: Ambry Variant Classification Scheme 2023. Collection method: clinical testing. Allele origin: germline.
Comment: The p.L189M variant (also known as c.565T>A), located in coding exon 5 of the APC gene, results from a T to A substitution at nucleotide position 565. The leucine at codon 189 is replaced by methionine, an amino acid with highly similar properties. This amino acid position is conserved. In addition, in silico predictors for this gene do not accurately predict pathogenicity. Based on the available evidence, the clinical significance of this variant remains unclear.

NM_000038.6(APC):c.565T>A (p.Leu189Met)

Gene: APC (APC regulator of Wnt signaling pathway; plus strand). Cytogenetic location: 5q22.2.
Variant type: single nucleotide variant.
Coding change: c.565T>A on transcript NM_000038.6 (MANE Select); coding-DNA position 565, T replaced by A.
Protein change: p.Leu189Met; replaces leucine 189 with methionine.
Molecular consequence: missense variant. On other transcripts: 5 prime UTR variant (4), non-coding transcript variant (2).
Genome position (GRCh38, 1-based): chr5:112,780,823, T>A. VCF-style: chr5-112780823-T-A. GRCh37 (hg19) VCF-style: chr5-112116520-T-A.
Other names: c.565T>A, p.Leu189Met (NM_001354903.2, NM_001407447.1, NM_001407448.1 and 16 more transcripts); c.490T>A, p.Leu164Met (NM_001354904.2, NM_001407451.1, NM_001354898.2); c.388T>A, p.Leu130Met (NM_001354905.2, NM_001407453.1, NM_001354900.2 and 1 more transcripts); c.-471T>A (NM_001354906.2, NM_001407470.1, NM_001407471.1 and 1 more transcripts); c.595T>A, p.Leu199Met (NM_001407446.1, NM_001127511.3, NM_001354897.2 and 1 more transcripts); short protein forms L189M, L199M, L130M, L164M.
Identifiers: ClinVar variation 3304773 (VCV003304773.1).